The following is an entry in ClinVar:

ClinVar aggregate classification (germline): Uncertain significance (1 of 4 stars; one submission).

Conditions:
PLXNA3-related disorder. Also called: PLXNA3-related condition.

gnomAD v4.1: 15 of 1,203,404 alleles (0.0012%); highest among the groups gnomAD compares: East Asian, 0.003%; no homozygotes.

Submission:

PreventionGenetics, part of Exact Sciences
Classification: Uncertain significance for PLXNA3-related condition. Last evaluated: 2024-12-30. Review status: criteria provided, single submitter. Criteria: ACMG Guidelines, 2015. Collection method: clinical testing. Allele origin: germline.
Comment: The PLXNA3 c.3329C>T variant is predicted to result in the amino acid substitution p.Thr1110Met. To our knowledge, this variant has not been reported in the literature. This variant is reported in 0.0053% of alleles in individuals of African descent in gnomAD. At this time, the clinical significance of this variant is uncertain due to the absence of conclusive functional and genetic evidence.

NM_017514.5(PLXNA3):c.3329C>T (p.Thr1110Met)

Gene: PLXNA3 (plexin A3; plus strand). Cytogenetic location: Xq28.
Variant type: single nucleotide variant.
Coding change: c.3329C>T on transcript NM_017514.5 (MANE Select); coding-DNA position 3329, C replaced by T.
Protein change: p.Thr1110Met; replaces threonine 1110 with methionine.
Molecular consequence: missense variant.
Genome position (GRCh38, 1-based): chrX:154,467,359, C>T. VCF-style: chrX-154467359-C-T. GRCh37 (hg19) VCF-style: chrX-153695702-C-T.
Other names: short protein forms T1110M.
Identifiers: ClinVar variation 4983661 (VCV004983661.1).
Genomic context (GRCh38, chrX:154,467,359, plus strand): 5'-AGCCTCGGGCGCAAGGCGAGCACCCTGATGAGTTTGGCTTCCTGCTGGACCACGTGCAAA[C>T]GGCCCGCTCCCTCAACCGCTCCTCCTTTACCTACTACCCTGATCCCAGCTTTGAGCCGCT-3'
Protein context (NP_059984.3, residues 1100-1120): EFGFLLDHVQ[Thr1110Met]ARSLNRSSFT